The following is an entry in ClinVar:

ClinVar aggregate classification (germline): Uncertain significance (1 of 4 stars; one submission).

Submission:

Labcorp Genetics (formerly Invitae), Labcorp
Classification: Uncertain significance. Last evaluated: 2022-09-27. Review status: criteria provided, single submitter. Criteria: Invitae Variant Classification Sherloc (09022015). Collection method: clinical testing. Allele origin: germline.
Comment: This variant is not present in population databases (gnomAD no frequency). This sequence change results in a frameshift in the MAPKAPK3 gene (p.Ser372Glnfs*29). While this is not anticipated to result in nonsense mediated decay, it is expected to disrupt the last 11 amino acid(s) of the MAPKAPK3 protein and extend the protein by 17 additional amino acid residues. This variant has not been reported in the literature in individuals affected with MAPKAPK3-related conditions. In summary, the available evidence is currently insufficient to determine the role of this variant in disease. Therefore, it has been classified as a Variant of Uncertain Significance. Experimental studies and prediction algorithms are not available or were not evaluated, and the functional significance of this variant is currently unknown. ClinVar contains an entry for this variant (Variation ID: 1401815).

NM_001243925.2(MAPKAPK3):c.1112dup (p.Ser372fs)

Gene: MAPKAPK3 (MAPK activated protein kinase 3; plus strand). Cytogenetic location: 3p21.2.
Variant type: Duplication.
Coding change: c.1112dup on transcript NM_001243925.2 (MANE Select); coding-DNA position 1112, one base duplicated (G; older notation c.1112dupG).
Protein change: p.Ser372fs; shifts the reading frame from serine 372.
Molecular consequence: frameshift variant.
Genome position (GRCh38, 1-based): chr3:50,648,009, G duplicated; the last of 2 consecutive G bases (chr3:50,648,008-50,648,009); duplicating either gives the same sequence. VCF-style (leftmost placement, unchanged base first): chr3-50648007-A-AG. GRCh37 (hg19) VCF-style: chr3-50685438-A-AG.
Other names: c.1112dup, p.Ser372fs (NM_001243926.2, NM_004635.5); short protein forms S372fs.
Identifiers: ClinVar variation 1401815 (VCV001401815.6), dbSNP rs2107604321, ClinGen allele CA2556854668.
Genomic context (GRCh38, chr3:50,648,007, plus strand): 5'-GATCAAGGACCTGAAGACCTCTAACAACCGGCTCCTCAACAAGAGGAGAAAAAAGCAGGC[A>AG]GGCAGCTCCTCTGCCTCACAGGGCTGCAACAACCAGTAGCTCATGGGGCCTTGGAGGAGC-3'